The following is an entry in ClinVar:

NM_025114.4(CEP290):c.2567dup (p.Val858fs)

Gene: CEP290 (centrosomal protein 290; minus strand). Cytogenetic location: 12q21.32.
Variant type: Duplication.
Coding change: c.2567dup on transcript NM_025114.4 (MANE Select); coding-DNA position 2567, one base duplicated (T; older notation c.2567dupT).
Protein change: p.Val858fs; shifts the reading frame from valine 858.
Molecular consequence: frameshift variant.
Genome position (GRCh38, 1-based): chr12:88,107,015, A duplicated on the plus strand (T on the coding strand, the reverse complement: CEP290 is on the minus strand). VCF-style (leftmost placement, unchanged base first): chr12-88107014-T-TA. GRCh37 (hg19) VCF-style: chr12-88500791-T-TA.
Other names: short protein forms V858fs.
Identifiers: ClinVar variation 2947703 (VCV002947703.3), dbSNP rs2500628699, ClinGen allele CA2740092496.

ClinVar aggregate classification (germline): Pathogenic (1 of 4 stars; one submission).

Conditions:
Joubert syndrome. Also called: CEREBELLOPARENCHYMAL DISORDER IV; JOUBERT-BOLTSHAUSER SYNDROME; Familial aplasia of the vermis. Identifiers: Orphanet 475, MedGen C5979921, MONDO:0018772.
Nephronophthisis. Also called: Juvenile Nephronophthisis. Identifiers: Orphanet 655, MedGen C0687120, MONDO:0019005, HP:0000090.
Meckel-Gruber syndrome. Also called: DYSENCEPHALIA SPLANCHNOCYSTICA; GRUBER SYNDROME; Dysencephalia splachnocystica. Identifiers: Orphanet 564, MedGen C0265215, MONDO:0018921.

Submission:

Labcorp Genetics (formerly Invitae), Labcorp
Classification: Pathogenic for Joubert syndrome; Meckel-Gruber syndrome; Nephronophthisis. Last evaluated: 2023-05-13. Review status: criteria provided, single submitter. Criteria: Invitae Variant Classification Sherloc (09022015). Collection method: clinical testing. Allele origin: germline.
Comment: For these reasons, this variant has been classified as Pathogenic. This variant has not been reported in the literature in individuals affected with CEP290-related conditions. This variant is not present in population databases (gnomAD no frequency). This sequence change creates a premature translational stop signal (p.Val858Serfs*5) in the CEP290 gene. It is expected to result in an absent or disrupted protein product. Loss-of-function variants in CEP290 are known to be pathogenic (PMID: 16909394, 17345604, 20690115).

Literature cited by the submitters: PubMed 16909394; PubMed 17345604; PubMed 20690115.